The following is an entry in ClinVar:

ClinVar aggregate classification (germline): Uncertain significance (1 of 4 stars; one submission).

gnomAD v4.1: 1 of 1,614,052 alleles (0.000062%); highest among the groups gnomAD compares: East Asian, 0.0022%; no homozygotes.

Submission:

GeneDx
Classification: Uncertain significance. Last evaluated: 2025-09-22. Review status: criteria provided, single submitter. Criteria: GeneDx Variant Classification Process June 2021. Collection method: clinical testing. Allele origin: germline. Affected: yes.
Comment: Not observed at significant frequency in large population cohorts (gnomAD); In silico analysis supports that this missense variant has a deleterious effect on protein structure/function; Has not been previously published as pathogenic or benign to our knowledge

NM_001393769.1(MED12L):c.3520C>T (p.Pro1174Ser)

Genes: MED12L (mediator complex subunit 12L; plus strand), P2RY12 (purinergic receptor P2Y12; minus strand). Cytogenetic location: 3q25.1.
Variant type: single nucleotide variant.
Coding change: c.3520C>T on transcript NM_001393769.1 (MANE Select); coding-DNA position 3520, C replaced by T.
Protein change: p.Pro1174Ser; replaces proline 1174 with serine.
Molecular consequence: missense variant. On other transcripts: intron variant (1).
Genome position (GRCh38, 1-based): chr3:151,368,221, C>T. VCF-style: chr3-151368221-C-T. GRCh37 (hg19) VCF-style: chr3-151086009-C-T.
Other names: c.3415C>T, p.Pro1139Ser (NM_053002.6); c.-180+16471G>A (NM_022788.5); short protein forms P1139S, P1174S.
Identifiers: ClinVar variation 4813914 (VCV004813914.1).